The following is an entry in ClinVar:

ClinVar aggregate classification (germline): Likely benign. Review status: criteria provided, multiple submitters, no conflicts (2 of 4 stars). 2 submissions from 2 submitters: Likely benign (2). Last evaluated 2025-06-19.

Conditions:
Diffuse cerebral and cerebellar atrophy - intractable seizures - progressive microcephaly syndrome. Also called: Microcephaly, progressive, with seizures and cerebral and cerebellar atrophy. Identifiers: Orphanet 404437, MedGen C4014239, MONDO:0014335, OMIM 615760.

Allele frequency attached by ClinVar (database versions not stated): gnomAD exomes 0.00001; TOPMed 0.00001.
gnomAD v4.1: 8 of 1,614,074 alleles (0.0005%); highest among the groups gnomAD compares: Non-Finnish European, 0.00068%; no homozygotes.

Submissions (2):

Labcorp Genetics (formerly Invitae), Labcorp
Classification: Likely benign for Diffuse cerebral and cerebellar atrophy - intractable seizures - progressive microcephaly syndrome. Last evaluated: 2025-06-19. Review status: criteria provided, single submitter. Criteria: Invitae Variant Classification Sherloc (09022015). Collection method: clinical testing. Allele origin: germline.

GeneDx
Classification: Likely benign. Last evaluated: 2017-11-22. Review status: criteria provided, single submitter. Criteria: GeneDx Variant Classification (06012015). Collection method: clinical testing. Allele origin: germline. Affected: yes.
Comment: This variant is considered likely benign or benign based on one or more of the following criteria: it is a conservative change, it occurs at a poorly conserved position in the protein, it is predicted to be benign by multiple in silico algorithms, and/or has population frequency not consistent with disease.

NM_005051.3(QARS1):c.570+16G>T

Gene: QARS1 (glutaminyl-tRNA synthetase 1; minus strand). Cytogenetic location: 3p21.31.
Variant type: single nucleotide variant.
Coding change: c.570+16G>T on transcript NM_005051.3 (MANE Select); 16 bases into the intron after coding-DNA position 570, G replaced by T.
Molecular consequence: intron variant.
Genome position (GRCh38, 1-based): chr3:49,102,403, C>A on the plus strand (G>T on the coding strand, the complement: QARS1 is on the minus strand). VCF-style: chr3-49102403-C-A. GRCh37 (hg19) VCF-style: chr3-49139836-C-A.
Other names: c.537+16G>T (NM_001272073.2).
Identifiers: ClinVar variation 513419 (VCV000513419.4), dbSNP rs1479784080, ClinGen allele CA542802128.